The following is an entry in ClinVar:

NM_001846.4(COL4A2):c.4141G>A (p.Ala1381Thr)

Genes: COL4A2-AS1 (COL4A2 antisense RNA 1; minus strand), COL4A2 (collagen type IV alpha 2 chain; plus strand). Cytogenetic location: 13q34.
Variant type: single nucleotide variant.
Coding change: c.4141G>A on transcript NM_001846.4 (MANE Select); coding-DNA position 4141, G replaced by A.
Protein change: p.Ala1381Thr; replaces alanine 1381 with threonine.
Molecular consequence: missense variant.
Genome position (GRCh38, 1-based): chr13:110,503,849, G>A. VCF-style: chr13-110503849-G-A. GRCh37 (hg19) VCF-style: chr13-111156196-G-A.
Other names: c.4141G>A (NM_001846.2, NM_001846.3); short protein forms A1381T.
Identifiers: ClinVar variation 1979927 (VCV001979927.8), dbSNP rs201561499, ClinGen allele CA7050427.

ClinVar aggregate classification (germline): Conflicting classifications of pathogenicity. Review status: criteria provided, conflicting classifications (1 of 4 stars). 4 submissions from 4 submitters: Uncertain significance (1); Likely benign (3). Last evaluated 2025-12-02.

Conditions:
Brain small vessel disease 2A, autosomal dominant. Also called: Porencephaly 2. Identifiers: Orphanet 2940, Orphanet 99810, MedGen C3280970, MONDO:0013773, OMIM 614483.
Inborn genetic diseases. Identifiers: MedGen C0950123, MeSH D030342.

Allele frequency attached by ClinVar (database versions not stated): gnomAD 0.00009; TOPMed 0.00011; ExAC 0.00015; gnomAD exomes 0.00026.
gnomAD v4.1: 380 of 1,613,716 alleles (0.024%); highest among the groups gnomAD compares: South Asian, 0.06%; 1 homozygote.

Submissions (4):

Labcorp Genetics (formerly Invitae), Labcorp
Classification: Uncertain significance. Last evaluated: 2025-12-02. Review status: criteria provided, single submitter. Criteria: Invitae Variant Classification Sherloc (09022015). Collection method: clinical testing. Allele origin: germline.
Comment: This sequence change replaces alanine, which is neutral and non-polar, with threonine, which is neutral and polar, at codon 1381 of the COL4A2 protein (p.Ala1381Thr). This variant is present in population databases (rs201561499, gnomAD 0.04%), and has an allele count higher than expected for a pathogenic variant. This variant has not been reported in the literature in individuals affected with COL4A2-related conditions. ClinVar contains an entry for this variant (Variation ID: 1979927). An algorithm developed to predict the effect of missense changes on protein structure and function outputs the following: PolyPhen-2: "Possibly Damaging". The threonine amino acid residue is found in multiple mammalian species, which suggests that this missense change does not adversely affect protein function. In summary, the available evidence is currently insufficient to determine the role of this variant in disease. Therefore, it has been classified as a Variant of Uncertain Significance.

Blueprint Genetics
Classification: Likely benign. Last evaluated: 2024-03-26. Review status: criteria provided, single submitter. Criteria: ACMG Guidelines, 2015. Collection method: clinical testing. Allele origin: germline.

Victorian Clinical Genetics Services, Murdoch Childrens Research Institute
Classification: Likely benign for Brain small vessel disease 2A, autosomal dominant. Last evaluated: 2023-07-17. Review status: criteria provided, single submitter. Criteria: ACMG Guidelines, 2015. Collection method: clinical testing. Allele origin: germline. Inheritance: Autosomal dominant inheritance.
Comment: Based on the classification scheme VCGS_Germline_v1.3.4, this variant is classified as likely benign. Following criteria are met: 0308 - Population frequency for this variant is out of keeping with known incidence of brain small vessel disease 2 (MIM#614483), with 40 heterozygotes in gnomAD v2. (SB) Legend: (SP) - Supporting pathogenic, (I) - Information, (SB) - Supporting benign

Ambry Genetics
Classification: Likely benign for Inborn genetic diseases. Last evaluated: 2022-11-07. Review status: criteria provided, single submitter. Criteria: Ambry Variant Classification Scheme 2023. Collection method: clinical testing. Allele origin: germline.